The following is an entry in ClinVar:

ClinVar aggregate classification (germline): Uncertain significance (1 of 4 stars; one submission).

Allele frequency attached by ClinVar (database versions not stated): ExAC 0.00002; gnomAD exomes 0.00002.

Submission:

Labcorp Genetics (formerly Invitae), Labcorp
Classification: Uncertain significance. Last evaluated: 2024-10-25. Review status: criteria provided, single submitter. Criteria: Invitae Variant Classification Sherloc (09022015). Collection method: clinical testing. Allele origin: germline.
Comment: This sequence change replaces lysine, which is basic and polar, with methionine, which is neutral and non-polar, at codon 448 of the RNF216 protein (p.Lys448Met). This variant is present in population databases (rs749528774, gnomAD 0.003%). This variant has not been reported in the literature in individuals affected with RNF216-related conditions. ClinVar contains an entry for this variant (Variation ID: 1450052). An algorithm developed to predict the effect of missense changes on protein structure and function (PolyPhen-2) suggests that this variant is likely to be disruptive. In summary, the available evidence is currently insufficient to determine the role of this variant in disease. Therefore, it has been classified as a Variant of Uncertain Significance.

NM_207111.4(RNF216):c.1343A>T (p.Lys448Met)

Gene: RNF216 (ring finger protein 216; minus strand). Cytogenetic location: 7p22.1.
Variant type: single nucleotide variant.
Coding change: c.1343A>T on transcript NM_207111.4 (MANE Select); coding-DNA position 1343, A replaced by T.
Protein change: p.Lys448Met; replaces lysine 448 with methionine.
Molecular consequence: missense variant.
Genome position (GRCh38, 1-based): chr7:5,729,478, T>A on the plus strand (A>T on the coding strand, the complement: RNF216 is on the minus strand). VCF-style: chr7-5729478-T-A. GRCh37 (hg19) VCF-style: chr7-5769109-T-A.
Other names: c.1172A>T, p.Lys391Met (NM_001377156.1, NM_207116.3); short protein forms K391M, K448M.
Identifiers: ClinVar variation 1450052 (VCV001450052.7), dbSNP rs749528774, ClinGen allele CA4148243.
Genomic context (GRCh38, chr7:5,729,478, plus strand): 5'-ACCAAGTAGAGTACCTTTCGGGTGATTGCATAGTGTCCTTTGAGCTCGTGCAGGGCCCAC[T>A]TGATGTCCTGACTACTGAGCACTTTGAAGTCGGCCATGAGGAGGTCAGCAGCTTGGATGA-3'
Protein context (NP_996994.1, residues 438-458): DFKVLSSQDI[Lys448Met]WALHELKGHY